The following is an entry in ClinVar:

ClinVar aggregate classification (germline): Uncertain significance (1 of 4 stars; one submission).

gnomAD v4.1: 1 of 1,614,160 alleles (0.000062%); highest among the groups gnomAD compares: South Asian, 0.0011%; no homozygotes.

Submission:

GeneDx
Classification: Uncertain significance. Last evaluated: 2016-11-02. Review status: criteria provided, single submitter. Criteria: GeneDx Variant Classification (06012015). Collection method: clinical testing. Allele origin: germline. Affected: yes.
Comment: The I466V variant in the ATP13A4 gene has not been reported previously as a pathogenic variant, nor as a benign variant, to our knowledge. The I466V variant was not observed in approximately 6500 individuals of European and African American ancestry in the NHLBI Exome Sequencing Project, indicating it is not a common benign variant in these populations. The I466V variant is a conservative amino acid substitution, which is not likely to impact secondary protein structure as these residues share similar properties. This substitution occurs at a position that is conserved across species. In silico analysis is inconsistent in its predictions as to whether or not the variant is damaging to the protein structure/function. We interpret I466V as a variant of uncertain significance.

NM_032279.4(ATP13A4):c.1396A>G (p.Ile466Val)

Gene: ATP13A4 (ATPase 13A4; minus strand). Cytogenetic location: 3q29.
Variant type: single nucleotide variant.
Coding change: c.1396A>G on transcript NM_032279.4 (MANE Select); coding-DNA position 1396, A replaced by G.
Protein change: p.Ile466Val; replaces isoleucine 466 with valine.
Molecular consequence: missense variant.
Genome position (GRCh38, 1-based): chr3:193,465,005, T>C on the plus strand (A>G on the coding strand, the complement: ATP13A4 is on the minus strand). VCF-style: chr3-193465005-T-C. GRCh37 (hg19) VCF-style: chr3-193182794-T-C.
Other names: short protein forms I466V.
Identifiers: ClinVar variation 390187 (VCV000390187.2), dbSNP rs1057523673, ClinGen allele CA16604498.
Genomic context (GRCh38, chr3:193,465,005, plus strand): 5'-CAAAGCAGACAAGGTTTAACTGTCCACATACGTTGATCCTCTGGGGGCTAATGCAGAAGA[T>C]GCCTCTCTTCTTCAGCCTCCTCTGGGCATAGATAATGCCTGTGGTCAGAGCAGCAGGTAG-3'
Protein context (NP_115655.2, residues 456-476): YAQRRLKKRG[Ile466Val]FCISPQRINV